The following is an entry in ClinVar:

NM_001042492.3(NF1):c.8511G>A (p.Lys2837=)

Gene: NF1 (neurofibromin 1; plus strand). Cytogenetic location: 17q11.2.
Variant type: single nucleotide variant.
Coding change: c.8511G>A on transcript NM_001042492.3 (MANE Select); coding-DNA position 8511, G replaced by A.
Protein change: p.Lys2837=; no amino-acid change (lysine 2837 retained).
Molecular consequence: synonymous variant.
Genome position (GRCh38, 1-based): chr17:31,374,146, G>A. VCF-style: chr17-31374146-G-A. GRCh37 (hg19) VCF-style: chr17-29701164-G-A.
Other names: c.8448G>A, p.Lys2816= (NM_000267.4).
Identifiers: ClinVar variation 237608 (VCV000237608.19), dbSNP rs752398289, ClinGen allele CA8487829.

ClinVar aggregate classification (germline): Conflicting classifications of pathogenicity. Review status: criteria provided, conflicting classifications (1 of 4 stars). 7 submissions from 7 submitters: Uncertain significance (1); Benign (2); Likely benign (4). Last evaluated 2026-05-26.

Conditions:
Hereditary cancer-predisposing syndrome. Also called: Neoplastic Syndromes, Hereditary; Hereditary Cancer Syndrome; Tumor predisposition; Hereditary neoplastic syndrome. Identifiers: Orphanet 140162, MedGen C0027672, MeSH D009386, MONDO:0015356.
Cardiovascular phenotype. Identifiers: MedGen CN230736.
Neurofibromatosis, type 1 (NF1). Also called: Peripheral type neurofibromatosis; Neurofibromatosis, type I; VON RECKLINGHAUSEN DISEASE; NEUROFIBROMATOSIS, TYPE I, SOMATIC. Identifiers: Orphanet 636, MedGen C0027831, MONDO:0018975, OMIM 162200. Disease mechanism: loss of function.

Allele frequency attached by ClinVar (database versions not stated): gnomAD exomes below 0.00001; TOPMed below 0.00001; ExAC 0.00001.
gnomAD v4.1: 5 of 1,614,036 alleles (0.00031%); highest among the groups gnomAD compares: Admixed American, 0.005%; no homozygotes.

Submissions (7):

Myriad Genetics, Inc.
Classification: Benign for Neurofibromatosis, type 1. Last evaluated: 2026-05-26. Review status: criteria provided, single submitter. Criteria: Myriad Autosomal Dominant, Autosomal Recessive and X-Linked Classification Criteria (2023). Collection method: clinical testing. Allele origin: unknown.
Comment: This variant is considered benign. This variant is a silent/synonymous amino acid change and it is not expected to impact splicing.

Labcorp Genetics (formerly Invitae), Labcorp
Classification: Likely benign for Neurofibromatosis, type 1. Last evaluated: 2025-11-02. Review status: criteria provided, single submitter. Criteria: Invitae Variant Classification Sherloc (09022015). Collection method: clinical testing. Allele origin: germline.

Quest Diagnostics Nichols Institute San Juan Capistrano
Classification: Uncertain significance. Last evaluated: 2025-08-01. Review status: criteria provided, single submitter. Criteria: Quest Diagnostics criteria. Collection method: clinical testing. Allele origin: unknown.

Blueprint Genetics
Classification: Likely benign. Last evaluated: 2024-08-12. Review status: criteria provided, single submitter. Criteria: ACMG Guidelines, 2015. Collection method: clinical testing. Allele origin: germline.

Genome-Nilou Lab
Classification: Benign for Neurofibromatosis, type 1. Last evaluated: 2022-03-15. Review status: criteria provided, single submitter. Criteria: ACMG Guidelines, 2015. Collection method: clinical testing. Allele origin: germline. Affected: no.

Ambry Genetics
Classification: Likely benign for Cardiovascular phenotype; Hereditary cancer-predisposing syndrome. Last evaluated: 2019-01-10. Review status: criteria provided, single submitter. Criteria: Ambry Variant Classification Scheme 2023. Collection method: clinical testing. Allele origin: germline.

Breakthrough Genomics
Classification: Likely benign. Review status: criteria provided, single submitter. Criteria: ACMG Guidelines, 2015. Collection method: not provided. Allele origin: germline. Inheritance: Autosomal dominant inheritance. Affected: yes.